The following is an entry in ClinVar:

NM_000038.6(APC):c.7185G>T (p.Glu2395Asp)

Gene: APC (APC regulator of Wnt signaling pathway; plus strand). Cytogenetic location: 5q22.2.
Variant type: single nucleotide variant.
Coding change: c.7185G>T on transcript NM_000038.6 (MANE Select); coding-DNA position 7185, G replaced by T.
Protein change: p.Glu2395Asp; replaces glutamic acid 2395 with aspartic acid.
Molecular consequence: missense variant.
Genome position (GRCh38, 1-based): chr5:112,842,779, G>T. VCF-style: chr5-112842779-G-T. GRCh37 (hg19) VCF-style: chr5-112178476-G-T.
Other names: c.6033G>T, p.Glu2011Asp (NM_001407471.1, NM_001407472.1); c.7185G>T, p.Glu2395Asp (NM_001127510.3, NM_001354895.2, NM_001407450.1); c.7131G>T, p.Glu2377Asp (NM_001127511.3); c.7239G>T, p.Glu2413Asp (NM_001354896.2, NM_001407447.1, NM_001407448.1 and 1 more transcripts); c.7215G>T, p.Glu2405Asp (NM_001354897.2); c.7110G>T, p.Glu2370Asp (NM_001354898.2); c.7101G>T, p.Glu2367Asp (NM_001354899.2); c.7062G>T, p.Glu2354Asp (NM_001354900.2); and 12 more; short protein forms E2011D, E2112D, E2235D, E2266D, E2269D, E2294D, E2304D, E2312D.
Identifiers: ClinVar variation 1716565 (VCV001716565.7), dbSNP rs1766403791, ClinGen allele CA16036981.
Genomic context (GRCh38, chr5:112,842,779, plus strand): 5'-ACAGAACCTTACCAAACAAACAGGTTTATCCAAGAATGCCAGTAGTATTCCAAGAAGTGA[G>T]TCTGCCTCCAAAGGACTAAATCAGATGAATAATGGTAATGGAGCCAATAAAAAGGTAGAA-3'
Protein context (NP_000029.2, residues 2385-2405): SKNASSIPRS[Glu2395Asp]SASKGLNQMN

ClinVar aggregate classification (germline): Uncertain significance. Review status: criteria provided, multiple submitters, no conflicts (2 of 4 stars). 2 submissions from 2 submitters: Uncertain significance (2). Last evaluated 2025-09-26.

Conditions:
Familial adenomatous polyposis 1 (FAP1). Also called: POLYPOSIS, ADENOMATOUS INTESTINAL; FAMILIAL ADENOMATOUS POLYPOSIS 1, ATTENUATED. Identifiers: MedGen C2713442, MONDO:0021056, OMIM 175100. Disease mechanism: loss of function.
Hereditary cancer-predisposing syndrome. Also called: Neoplastic Syndromes, Hereditary; Tumor predisposition; Hereditary Cancer Syndrome; Hereditary neoplastic syndrome. Identifiers: Orphanet 140162, MedGen C0027672, MeSH D009386, MONDO:0015356.

Submissions (2):

Ambry Genetics
Classification: Uncertain significance for Hereditary cancer-predisposing syndrome. Last evaluated: 2025-09-26. Review status: criteria provided, single submitter. Criteria: Ambry Variant Classification Scheme 2023. Collection method: clinical testing. Allele origin: germline.

Labcorp Genetics (formerly Invitae), Labcorp
Classification: Uncertain significance for Familial adenomatous polyposis 1. Last evaluated: 2022-08-16. Review status: criteria provided, single submitter. Criteria: Invitae Variant Classification Sherloc (09022015). Collection method: clinical testing. Allele origin: germline.
Comment: This variant is not present in population databases (gnomAD no frequency). In summary, the available evidence is currently insufficient to determine the role of this variant in disease. Therefore, it has been classified as a Variant of Uncertain Significance. Algorithms developed to predict the effect of missense changes on protein structure and function are either unavailable or do not agree on the potential impact of this missense change (SIFT: "Tolerated"; PolyPhen-2: "Probably Damaging"; Align-GVGD: "Class C0"). This variant has not been reported in the literature in individuals affected with APC-related conditions. This sequence change replaces glutamic acid, which is acidic and polar, with aspartic acid, which is acidic and polar, at codon 2395 of the APC protein (p.Glu2395Asp).